The following is an entry in ClinVar:

ClinVar aggregate classification (germline): Uncertain significance (1 of 4 stars; one submission).

Conditions:
KSR2-related disorder. Also called: KSR2-related condition.

gnomAD v4.1: 7 of 1,611,538 alleles (0.00043%); highest among the groups gnomAD compares: Admixed American, 0.0051%; no homozygotes.

Submission:

PreventionGenetics, part of Exact Sciences
Classification: Uncertain significance for KSR2-related condition. Last evaluated: 2025-08-20. Review status: criteria provided, single submitter. Criteria: ACMG Guidelines, 2015. Collection method: clinical testing. Allele origin: germline.
Comment: The KSR2 c.488G>C variant is predicted to result in the amino acid substitution p.Arg163Pro. To our knowledge, this variant has not been reported in the literature. This variant is reported in 0.0089% of alleles in individuals of Latino descent in gnomAD. At this time, the clinical significance of this variant is uncertain due to the absence of conclusive functional and genetic evidence.

NM_173598.6(KSR2):c.575G>C (p.Arg192Pro)

Gene: KSR2 (kinase suppressor of ras 2; minus strand). Cytogenetic location: 12q24.23.
Variant type: single nucleotide variant.
Coding change: c.575G>C on transcript NM_173598.6 (MANE Select); coding-DNA position 575, G replaced by C.
Protein change: p.Arg192Pro; replaces arginine 192 with proline.
Molecular consequence: missense variant.
Genome position (GRCh38, 1-based): chr12:117,761,422, C>G on the plus strand (G>C on the coding strand, the complement: KSR2 is on the minus strand). VCF-style: chr12-117761422-C-G. GRCh37 (hg19) VCF-style: chr12-118199227-C-G.
Other names: short protein forms R192P.
Identifiers: ClinVar variation 4977451 (VCV004977451.1).